The following is an entry in ClinVar:

ClinVar aggregate classification (germline): Conflicting classifications of pathogenicity. Review status: criteria provided, conflicting classifications (1 of 4 stars). 4 submissions from 4 submitters: Likely pathogenic (1); Uncertain significance (3). Last evaluated 2025-01-08.

Conditions:
Charcot-Marie-Tooth disease type 4. Also called: Charcot-Marie-Tooth disease, type IV; Charcot-Marie-Tooth, Type 4. Identifiers: Orphanet 64749, MedGen C4082197, MONDO:0018995.
Inborn genetic diseases. Identifiers: MedGen C0950123, MeSH D030342.
Cerebral hypomyelination. Identifiers: MedGen C2677328, HP:0006808.

Submissions (4):

GeneDx
Classification: Uncertain significance. Last evaluated: 2025-01-08. Review status: criteria provided, single submitter. Criteria: GeneDx Variant Classification Process June 2021. Collection method: clinical testing. Allele origin: germline. Affected: yes.
Comment: Reported previously in the compound heterozygous state in siblings with severe global developmental delay, autistic features, and maculopathy (PMID: 30740813); Not observed at significant frequency in large population cohorts (gnomAD); In-frame deletion of 1 amino acid in a non-repeat region; In silico analysis supports a deleterious effect on protein structure/function; This variant is associated with the following publications: (PMID: 36340727, 34740920, 34899148, 30740813)

Ambry Genetics
Classification: Uncertain significance for Inborn genetic diseases. Last evaluated: 2022-08-17. Review status: criteria provided, single submitter. Criteria: Ambry Variant Classification Scheme 2023. Collection method: clinical testing. Allele origin: germline.
Comment: The c.2439_2441delAGA (p.E813del) alteration is located in exon 21 (coding exon 21) of the FIG4 gene. This alteration consists of an in-frame deletion of 3 nucleotides between nucleotide positions c.2439 and c.2441, resulting in the deletion of 1 residue. Based on insufficient or conflicting evidence, the clinical significance of this alteration remains unclear.

Labcorp Genetics (formerly Invitae), Labcorp
Classification: Uncertain significance for Charcot-Marie-Tooth disease type 4. Last evaluated: 2022-07-27. Review status: criteria provided, single submitter. Criteria: Invitae Variant Classification Sherloc (09022015). Collection method: clinical testing. Allele origin: germline.
Comment: This variant, c.2439_2441del, results in the deletion of 1 amino acid(s) of the FIG4 protein (p.Glu813del), but otherwise preserves the integrity of the reading frame. This variant is present in population databases (rs774394934, gnomAD 0.003%). This variant has been observed in individual(s) with clinical features of FIG4-related conditions (PMID: 30740813). It has also been observed to segregate with disease in related individuals. ClinVar contains an entry for this variant (Variation ID: 234659). Experimental studies and prediction algorithms are not available or were not evaluated, and the functional significance of this variant is currently unknown. In summary, the available evidence is currently insufficient to determine the role of this variant in disease. Therefore, it has been classified as a Variant of Uncertain Significance.

Broad Center for Mendelian Genomics, Broad Institute of MIT and Harvard
Classification: Likely pathogenic for cerebral hypomyelination. Last evaluated: 2020-05-28. Review status: criteria provided, single submitter. Criteria: ACMG Guidelines, 2015. Collection method: research. Allele origin: germline. Inheritance: Autosomal recessive inheritance.
Comment: The heterozygous p.Glu813del variant in FIG4 was identified by our study, in the compound heterozygous state, along with another likely pathogenic variant, in 3 siblings with cerebral hypomyelination (PMID: 30740813). This variant has also been reported as a VUS by GeneDx in ClinVar (Variation ID: 234659). This variant has been identified in 0.003% (1/34550) of Latino chromosomes and 0.002% (2/113662) of European (non-Finnish) chromosomes by the Genome Aggregation Database (gnomAD; dbSNP rs876661144). Although this variant has been seen in the general population, its frequency is low enough to be consistent with a recessive carrier frequency. In vitro functional studies provide some evidence that the p.Glu813del variant may slightly impact protein function (PMID: 30740813). However, these types of assays may not accurately represent biological function. This variant is a deletion of 1 amino acid at position 813 and is not predicted to alter the protein reading-frame. It is unclear if this deletion will impact the protein. The presence of this variant in combination with a likely pathogenic variant and in 3 siblings with cerebral hypomyelination increases the likelihood that the p.Glu813del variant is pathogenic (PMID: 30740813). In summary, although additional studies are required to fully establish its clinical significance, this variant is likely pathogenic. ACMG/AMP Criteria applied: PM2, PM3, PM4_Supporting, PP1, PS3_Supporting (Richards 2015).

Literature cited by the submitters: PubMed 30740813 (cited by 3 submitters).

NM_014845.6(FIG4):c.2433AGA[2] (p.Glu813del)

Gene: FIG4 (FIG4 phosphoinositide 5-phosphatase; plus strand). Cytogenetic location: 6q21.
Variant type: Microsatellite.
Coding change: c.2433AGA[2] on transcript NM_014845.6 (MANE Select); two copies in a row of the 3-base unit AGA starting at c.2433; the reference has three copies in a row; one copy, 3 bases deleted.
Protein change: p.Glu813del; deletes glutamic acid 813.
Molecular consequence: inframe deletion.
Genome position (GRCh38, 1-based): chr6:109,792,644-109,792,646, AGA deleted; deleting any 3 consecutive bases within chr6:109,792,638-109,792,646 gives the same sequence; the position shown is the placement nearest the transcript's 3' end. VCF-style (leftmost placement, unchanged base first): chr6-109792637-CAGA-C. GRCh37 (hg19) VCF-style: chr6-110113840-CAGA-C.
Other names: c.2433_2435AGA[2] (NM_014845.5); c.2439_2441delAGA (NM_014845.5); short protein forms E813del.
Identifiers: ClinVar variation 234659 (VCV000234659.7), dbSNP rs876661144, ClinGen allele CA3956394.